The following is an entry in ClinVar:

ClinVar aggregate classification (germline): Uncertain significance (1 of 4 stars; one submission).

Conditions:
Holoprosencephaly sequence (HPE). Also called: Holoprosencephaly. Identifiers: Orphanet 2162, MedGen C0079541, MONDO:0016296, HP:0001360.

Allele frequency attached by ClinVar (database versions not stated): gnomAD exomes below 0.00001.
gnomAD v4.1: 1 of 1,561,320 alleles (0.000064%); highest among the groups gnomAD compares: Admixed American, 0.0018%; no homozygotes.

Submission:

Labcorp Genetics (formerly Invitae), Labcorp
Classification: Uncertain significance for Holoprosencephaly sequence. Last evaluated: 2023-11-27. Review status: criteria provided, single submitter. Criteria: Invitae Variant Classification Sherloc (09022015). Collection method: clinical testing. Allele origin: germline.
Comment: This sequence change replaces glycine, which is neutral and non-polar, with glutamic acid, which is acidic and polar, at codon 200 of the FOXH1 protein (p.Gly200Glu). The frequency data for this variant in the population databases is considered unreliable, as metrics indicate poor data quality at this position in the gnomAD database. This variant has not been reported in the literature in individuals affected with FOXH1-related conditions. ClinVar contains an entry for this variant (Variation ID: 2170693). Advanced modeling of protein sequence and biophysical properties (such as structural, functional, and spatial information, amino acid conservation, physicochemical variation, residue mobility, and thermodynamic stability) performed at Invitae indicates that this missense variant is not expected to disrupt FOXH1 protein function with a negative predictive value of 80%. In summary, the available evidence is currently insufficient to determine the role of this variant in disease. Therefore, it has been classified as a Variant of Uncertain Significance.

NM_003923.3(FOXH1):c.599G>A (p.Gly200Glu)

Gene: FOXH1 (forkhead box H1; minus strand). Cytogenetic location: 8q24.3.
Variant type: single nucleotide variant.
Coding change: c.599G>A on transcript NM_003923.3 (MANE Select); coding-DNA position 599, G replaced by A.
Protein change: p.Gly200Glu; replaces glycine 200 with glutamic acid.
Molecular consequence: missense variant.
Genome position (GRCh38, 1-based): chr8:144,474,737, C>T on the plus strand (G>A on the coding strand, the complement: FOXH1 is on the minus strand). VCF-style: chr8-144474737-C-T. GRCh37 (hg19) VCF-style: chr8-145700120-C-T.
Other names: short protein forms G200E.
Identifiers: ClinVar variation 2170693 (VCV002170693.4), dbSNP rs1460876038, ClinGen allele CA372724276.